The following is an entry in ClinVar:

NM_001211.6(BUB1B):c.2108T>C (p.Ile703Thr)

Gene: BUB1B (BUB1 mitotic checkpoint serine/threonine kinase B; plus strand). Cytogenetic location: 15q15.1.
Variant type: single nucleotide variant.
Coding change: c.2108T>C on transcript NM_001211.6 (MANE Select); coding-DNA position 2108, T replaced by C.
Protein change: p.Ile703Thr; replaces isoleucine 703 with threonine.
Molecular consequence: missense variant.
Genome position (GRCh38, 1-based): chr15:40,208,735, T>C. VCF-style: chr15-40208735-T-C. GRCh37 (hg19) VCF-style: chr15-40500936-T-C.
Other names: short protein forms I703T.
Identifiers: ClinVar variation 3221378 (VCV003221378.1), dbSNP rs375388175, ClinGen allele CA7475951.

ClinVar aggregate classification (germline): Uncertain significance (1 of 4 stars; one submission).

Conditions:
Inborn genetic diseases. Identifiers: MedGen C0950123, MeSH D030342.

Allele frequency attached by ClinVar (database versions not stated): gnomAD exomes below 0.00001; TOPMed below 0.00001; ExAC 0.00001; gnomAD 0.00001; ESP Exome Variant Server 0.00008.
gnomAD v4.1: 2 of 1,613,468 alleles (0.00012%); highest among the groups gnomAD compares: Non-Finnish European, 0.00017%; no homozygotes.

Submission:

Ambry Genetics
Classification: Uncertain significance for Inborn genetic diseases. Last evaluated: 2024-01-28. Review status: criteria provided, single submitter. Criteria: Ambry Variant Classification Scheme 2023. Collection method: clinical testing. Allele origin: germline.
Comment: The p.I703T variant (also known as c.2108T>C), located in coding exon 16 of the BUB1B gene, results from a T to C substitution at nucleotide position 2108. The isoleucine at codon 703 is replaced by threonine, an amino acid with similar properties. This amino acid position is conserved. In addition, this alteration is predicted to be tolerated by in silico analysis. Based on the available evidence, the clinical significance of this alteration remains unclear.